The following is an entry in ClinVar:

ClinVar aggregate classification (germline): Uncertain significance (1 of 4 stars; one submission).

gnomAD v4.1: 2 of 1,614,070 alleles (0.00012%); highest among the groups gnomAD compares: African/African-American, 0.0013%; no homozygotes.

Submission:

CeGaT Center for Human Genetics Tuebingen
Classification: Uncertain significance. Last evaluated: 2025-10-01. Review status: criteria provided, single submitter. Criteria: CeGaT Center For Human Genetics Tuebingen Variant Classification Criteria Version 2. Collection method: clinical testing. Allele origin: germline. Affected: yes. Observed: 1 variant allele.
Comment: MATR3: PM2, BP4

NM_018834.6(MATR3):c.2069A>G (p.Asp690Gly)

Genes: MATR3 (matrin 3; plus strand), LOC126807526 (CDK7 strongly-dependent group 2 enhancer GRCh37_chr5:138657767-138658966; plus strand). Cytogenetic location: 5q31.2.
Variant type: single nucleotide variant.
Coding change: c.2069A>G on transcript NM_018834.6 (MANE Select); coding-DNA position 2069, A replaced by G.
Protein change: p.Asp690Gly; replaces aspartic acid 690 with glycine.
Molecular consequence: missense variant.
Genome position (GRCh38, 1-based): chr5:139,322,888, A>G. VCF-style: chr5-139322888-A-G. GRCh37 (hg19) VCF-style: chr5-138658577-A-G.
Other names: c.2069A>G, p.Asp690Gly (NM_001194954.2, NM_001194955.2, NM_001400441.1 and 16 more transcripts); c.1205A>G, p.Asp402Gly (NM_001194956.2); c.1055A>G, p.Asp352Gly (NM_001282278.2, NM_001400460.1, NM_001400462.1 and 5 more transcripts); c.1208A>G, p.Asp403Gly (NM_001400459.1); c.1169A>G, p.Asp390Gly (NM_001400461.1); short protein forms D352G, D390G, D402G, D403G, D690G.
Identifiers: ClinVar variation 4534959 (VCV004534959.6).